The following is an entry in ClinVar:

NM_001384156.1(PCBP3):c.676-17TC[6]

Gene: PCBP3 (poly(rC) binding protein 3; plus strand). Cytogenetic location: 21q22.3.
Variant type: Microsatellite.
Coding change: c.676-17TC[6] on transcript NM_001384156.1 (MANE Select); six copies in a row of the 2-base unit TC starting at c.676-17.
Molecular consequence: intron variant.
Genome position: GRCh38 VCF-style: chr21-45917570-GTC-G. GRCh37 (hg19) VCF-style: chr21-47337484-GTC-G.
Other names: NC_000021.8:g.47337498_47337499del; c.676-17TC[6] (NM_001382284.1, NM_001382286.1, NM_001382285.1 and 11 more transcripts); c.580-17TC[6] (NM_001348242.2, NM_001382276.1); c.745-17TC[6] (NM_001348239.2, NM_001348240.2, NM_001382279.1 and 1 more transcripts); c.709-17TC[6] (NM_001348241.2); c.601-17TC[6] (NM_001130141.2); c.676-4_676-3del (NM_001384156.1).
Identifiers: ClinVar variation 3059170 (VCV003059170.3), dbSNP rs548673780, ClinGen allele CA10069112.

ClinVar aggregate classification (germline): Likely benign (0 of 4 stars; one submission).

Conditions:
PCBP3-related disorder. Also called: PCBP3-related condition.

Submissions (12):

PreventionGenetics, part of Exact Sciences
Classification: Likely benign for PCBP3-related condition. Last evaluated: 2019-11-04. Review status: no assertion criteria provided. Collection method: clinical testing. Allele origin: germline.
Comment: This variant is classified as likely benign based on ACMG/AMP sequence variant interpretation guidelines (Richards et al. 2015 PMID: 25741868, with internal and published modifications).

Dr. Peter K. Rogan Lab, Western University
No classification provided (evidence only). Condition: Cervical cancer. Review status: no classification provided. Collection method: in vitro. Allele origin: not applicable. Functional consequence: retained intron. Not counted in ClinVar's aggregate classification.

Dr. Peter K. Rogan Lab, Western University
No classification provided (evidence only). Condition: Colon adenocarcinoma. Review status: no classification provided. Collection method: in vitro. Allele origin: not applicable. Functional consequence: skipped exon, retained intron. Not counted in ClinVar's aggregate classification.

Dr. Peter K. Rogan Lab, Western University
No classification provided (evidence only). Condition: Malignant lymphoma, large B-cell, diffuse. Review status: no classification provided. Collection method: in vitro. Allele origin: not applicable. Functional consequence: retained intron. Not counted in ClinVar's aggregate classification.

Dr. Peter K. Rogan Lab, Western University
No classification provided (evidence only). Condition: Glioma susceptibility 1. Review status: no classification provided. Collection method: in vitro. Allele origin: not applicable. Functional consequence: retained intron. Not counted in ClinVar's aggregate classification.

Dr. Peter K. Rogan Lab, Western University
No classification provided (evidence only). Condition: Colorectal cancer. Review status: no classification provided. Collection method: in vitro. Allele origin: not applicable. Functional consequence: retained intron. Not counted in ClinVar's aggregate classification.

Dr. Peter K. Rogan Lab, Western University
No classification provided (evidence only). Condition: Colorectal cancer. Review status: no classification provided. Collection method: in vitro. Allele origin: not applicable. Functional consequence: retained intron. Not counted in ClinVar's aggregate classification.

Dr. Peter K. Rogan Lab, Western University
No classification provided (evidence only). Condition: Melanoma. Review status: no classification provided. Collection method: in vitro. Allele origin: not applicable. Functional consequence: retained intron. Not counted in ClinVar's aggregate classification.

Dr. Peter K. Rogan Lab, Western University
No classification provided (evidence only). Condition: Gastric cancer. Review status: no classification provided. Collection method: in vitro. Allele origin: not applicable. Functional consequence: retained intron. Not counted in ClinVar's aggregate classification.

Dr. Peter K. Rogan Lab, Western University
No classification provided (evidence only). Condition: Gastric cancer. Review status: no classification provided. Collection method: in vitro. Allele origin: not applicable. Functional consequence: retained intron. Not counted in ClinVar's aggregate classification.

Dr. Peter K. Rogan Lab, Western University
No classification provided (evidence only). Condition: Uveal melanoma. Review status: no classification provided. Collection method: in vitro. Allele origin: not applicable. Functional consequence: skipped exon. Not counted in ClinVar's aggregate classification.

Dr. Peter K. Rogan Lab, Western University
No classification provided (evidence only). Condition: Malignant tumor of esophagus. Review status: no classification provided. Collection method: in vitro. Allele origin: not applicable. Functional consequence: skipped exon, retained intron. Not counted in ClinVar's aggregate classification.